The following is an entry in ClinVar:

NM_000256.3(MYBPC3):c.772+5G>A

Gene: MYBPC3 (myosin binding protein C3; minus strand). Cytogenetic location: 11p11.2.
Variant type: single nucleotide variant.
Coding change: c.772+5G>A on transcript NM_000256.3 (MANE Select); 5 bases into the intron after coding-DNA position 772, G replaced by A.
Molecular consequence: intron variant.
Genome position (GRCh38, 1-based): chr11:47,348,419, C>T on the plus strand (G>A on the coding strand, the complement: MYBPC3 is on the minus strand). VCF-style: chr11-47348419-C-T. GRCh37 (hg19) VCF-style: chr11-47369970-C-T.
Identifiers: ClinVar variation 181049 (VCV000181049.8), dbSNP rs730880626, ClinGen allele CA015816.
Genomic context (GRCh38, chr11:47,348,419, plus strand): 5'-AAGGAGGTAGGAGACCAGGACCCATGGGGAGCCCGAGCCCAGGACAGACACCAGGGCCCC[C>T]TCACCGTGGACAGTGAGATTGAAGTTGGAGCAGTCAAATTTGTCCTTGGTGGACACCTCA-3'

ClinVar aggregate classification (germline): Uncertain significance. Review status: criteria provided, multiple submitters, no conflicts (2 of 4 stars). 2 submissions from 2 submitters: Uncertain significance (2). Last evaluated 2024-11-06.

Conditions:
Cardiovascular phenotype. Identifiers: MedGen CN230736.
Hypertrophic cardiomyopathy. Also called: HYPERTROPHIC MYOCARDIOPATHY. Identifiers: Orphanet 217569, MedGen C0007194, MeSH D002312, MONDO:0005045, HP:0001639.

Allele frequency attached by ClinVar (database versions not stated): gnomAD exomes below 0.00001.
gnomAD v4.1: 2 of 1,604,476 alleles (0.00012%); highest among the groups gnomAD compares: Non-Finnish European, 0.00017%; no homozygotes.

Submissions (2):

Labcorp Genetics (formerly Invitae), Labcorp
Classification: Uncertain significance for Hypertrophic cardiomyopathy. Last evaluated: 2024-11-06. Review status: criteria provided, single submitter. Criteria: Invitae Variant Classification Sherloc (09022015). Collection method: clinical testing. Allele origin: germline.
Comment: This sequence change falls in intron 6 of the MYBPC3 gene. It does not directly change the encoded amino acid sequence of the MYBPC3 protein. It affects a nucleotide within the consensus splice site. This variant is not present in population databases (gnomAD no frequency). This variant has been observed in individual(s) with hypertrophic cardiomyopathy (PMID: 19406073). This variant is also known as IVS6+5G>A. ClinVar contains an entry for this variant (Variation ID: 181049). Variants that disrupt the consensus splice site are a relatively common cause of aberrant splicing (PMID: 17576681, 9536098). Algorithms developed to predict the effect of sequence changes on RNA splicing suggest that this variant may disrupt the consensus splice site. In summary, the available evidence is currently insufficient to determine the role of this variant in disease. Therefore, it has been classified as a Variant of Uncertain Significance.

Ambry Genetics
Classification: Uncertain significance for Cardiovascular phenotype. Last evaluated: 2019-03-01. Review status: criteria provided, single submitter. Criteria: Ambry Variant Classification Scheme 2023. Collection method: clinical testing. Allele origin: germline.
Comment: The c.772+5G>A intronic variant results from a G to A substitution 5 nucleotides after coding exon 6 in the MYBPC3 gene. This alteration has been reported in a homozygous state in siblings with hypertrophic cardiomyopathy (HCM) whose parents were reported to be consanguineous (Ortiz MF et al. Rev Esp Cardiol, 2009 May;62:572-5). This nucleotide position is highly conserved in available vertebrate species. Using two different splice site prediction tools, this alteration is predicted by BDGP to abolish the native splice donor site, but is predicted to weaken (but not abolish) the efficiency of the native splice donor site by ESEfinder; however, direct evidence is unavailable. Since supporting evidence is limited at this time, the clinical significance of this alteration remains unclear.

Literature cited by the submitters: PubMed 19406073 (cited by Labcorp Genetics (formerly Invitae), Labcorp and Ambry Genetics); PubMed 17576681 (cited by Labcorp Genetics (formerly Invitae), Labcorp); PubMed 9536098 (cited by Labcorp Genetics (formerly Invitae), Labcorp); PubMed 20433692 (cited by Ambry Genetics); PubMed 22907696 (cited by Ambry Genetics); PubMed 25335496 (cited by Ambry Genetics); PubMed 28420666 (cited by Ambry Genetics).